The following is an entry in ClinVar:

NM_147127.5(EVC2):c.1903G>A (p.Glu635Lys)

Gene: EVC2 (EvC ciliary complex subunit 2; minus strand). Cytogenetic location: 4p16.2.
Variant type: single nucleotide variant.
Coding change: c.1903G>A on transcript NM_147127.5 (MANE Select); coding-DNA position 1903, G replaced by A.
Protein change: p.Glu635Lys; replaces glutamic acid 635 with lysine.
Molecular consequence: missense variant.
Genome position (GRCh38, 1-based): chr4:5,625,892, C>T on the plus strand (G>A on the coding strand, the complement: EVC2 is on the minus strand). VCF-style: chr4-5625892-C-T. GRCh37 (hg19) VCF-style: chr4-5627619-C-T.
Other names: c.1663G>A, p.Glu555Lys (NM_001166136.2); short protein forms E635K, E555K.
Identifiers: ClinVar variation 3846588 (VCV003846588.2).

ClinVar aggregate classification (germline): Uncertain significance. Review status: criteria provided, multiple submitters, no conflicts (2 of 4 stars). 2 submissions from 2 submitters: Uncertain significance (2). Last evaluated 2025-10-08.

Conditions:
Inborn genetic diseases. Identifiers: MedGen C0950123, MeSH D030342.
Ellis-van Creveld syndrome (EVC). Also called: MESOECTODERMAL DYSPLASIA; EVC-Related Ellis-van Creveld Syndrome; EVC2-Related Ellis-van Creveld Syndrome; Chondroectodermal dysplasia. Identifiers: Orphanet 289, MedGen C0013903, MONDO:0009162, OMIM 225500.
Curry-Hall syndrome (WAD). Also called: WEYERS ACRODENTAL DYSOSTOSIS. Identifiers: Orphanet 952, MedGen C0457013, MONDO:0008673, OMIM 193530.

gnomAD v4.1: 45 of 1,614,062 alleles (0.0028%); highest among the groups gnomAD compares: African/African-American, 0.052%; no homozygotes.

Submissions (2):

Labcorp Genetics (formerly Invitae), Labcorp
Classification: Uncertain significance for Curry-Hall syndrome; Ellis-van Creveld syndrome. Last evaluated: 2025-10-08. Review status: criteria provided, single submitter. Criteria: Invitae Variant Classification Sherloc (09022015). Collection method: clinical testing. Allele origin: germline.
Comment: This sequence change replaces glutamic acid, which is acidic and polar, with lysine, which is basic and polar, at codon 635 of the EVC2 protein (p.Glu635Lys). This variant is present in population databases (rs372260407, gnomAD 0.06%). This variant has not been reported in the literature in individuals affected with EVC2-related conditions. ClinVar contains an entry for this variant (Variation ID: 3846588). An algorithm developed to predict the effect of missense changes on protein structure and function (PolyPhen-2) suggests that this variant is likely to be disruptive. In summary, the available evidence is currently insufficient to determine the role of this variant in disease. Therefore, it has been classified as a Variant of Uncertain Significance.

Ambry Genetics
Classification: Uncertain significance for Inborn genetic diseases. Last evaluated: 2025-01-21. Review status: criteria provided, single submitter. Criteria: Ambry Variant Classification Scheme 2023. Collection method: clinical testing. Allele origin: germline.